The following is an entry in ClinVar:

NM_001267550.2(TTN):c.89131G>A (p.Val29711Ile)

Genes: TTN (titin; minus strand), TTN-AS1 (TTN antisense RNA 1; plus strand). Cytogenetic location: 2q31.2.
Variant type: single nucleotide variant.
Coding change: c.89131G>A on transcript NM_001267550.2 (MANE Select); coding-DNA position 89131, G replaced by A.
Protein change: p.Val29711Ile; replaces valine 29711 with isoleucine.
Molecular consequence: missense variant.
Genome position (GRCh38, 1-based): chr2:178,553,980, C>T on the plus strand (G>A on the coding strand, the complement: TTN is on the minus strand). VCF-style: chr2-178553980-C-T. GRCh37 (hg19) VCF-style: chr2-179418707-C-T.
Other names: c.84208G>A, p.Val28070Ile (NM_001256850.1); c.61936G>A, p.Val20646Ile (NM_003319.4); c.81427G>A, p.Val27143Ile (NM_133378.4); c.62311G>A, p.Val20771Ile (NM_133432.3); c.62512G>A, p.Val20838Ile (NM_133437.4); short protein forms V29711I, V20838I, V27143I, V28070I, V20646I, V20771I.
Identifiers: ClinVar variation 1752125 (VCV001752125.2), dbSNP rs2469349605, ClinGen allele CA349520700.

ClinVar aggregate classification (germline): Uncertain significance (1 of 4 stars; one submission).

Conditions:
Cardiovascular phenotype. Identifiers: MedGen CN230736.

Allele frequency attached by ClinVar (database versions not stated): gnomAD exomes below 0.00001.
gnomAD v4.1: 1 of 1,612,476 alleles (0.000062%); highest among the groups gnomAD compares: South Asian, 0.0011%; no homozygotes.

Submission:

Ambry Genetics
Classification: Uncertain significance for Cardiovascular phenotype. Last evaluated: 2020-09-17. Review status: criteria provided, single submitter. Criteria: Ambry Variant Classification Scheme 2023. Collection method: clinical testing. Allele origin: germline.
Comment: The p.V20646I variant (also known as c.61936G>A), located in coding exon 160 of the TTN gene, results from a G to A substitution at nucleotide position 61936. The valine at codon 20646 is replaced by isoleucine, an amino acid with highly similar properties. This amino acid position is not well conserved in available vertebrate species, and isoleucine is the reference amino acid in other vertebrate species. In addition, this alteration is predicted to be tolerated by in silico analysis. Since supporting evidence is limited at this time, the clinical significance of this alteration remains unclear.